The following is an entry in ClinVar:

ClinVar aggregate classification (germline): Uncertain significance (1 of 4 stars; one submission).

Submission:

Labcorp Genetics (formerly Invitae), Labcorp
Classification: Uncertain significance. Last evaluated: 2020-12-05. Review status: criteria provided, single submitter. Criteria: Invitae Variant Classification Sherloc (09022015). Collection method: clinical testing. Allele origin: germline.
Comment: In summary, the available evidence is currently insufficient to determine the role of this variant in disease. Therefore, it has been classified as a Variant of Uncertain Significance. Experimental studies and prediction algorithms are not available or were not evaluated, and the functional significance of this variant is currently unknown. This variant has not been reported in the literature in individuals with IFT81-related conditions. This variant results in a copy number gain of the genomic region encompassing exon(s) 13-19 of the IFT81 gene. The 5' boundary is likely confined to intron 12. The 3' end of this event is unknown as it extends beyond the assayed region for this gene and therefore may encompass additional genes. As the precise location of this event is unknown, it may be in tandem or it may be located elsewhere in the genome.

NC_000012.11:g.(?_110628705)_(110788110_?)dup

Genes: ATP2A2 (ATPase sarcoplasmic/endoplasmic reticulum Ca2+ transporting 2; plus strand), IFT81 (intraflagellar transport 81; plus strand). Cytogenetic location: 12q24.11.
Variant type: Duplication.
Identifiers: ClinVar variation 1444420 (VCV001444420.5).